The following is an entry in ClinVar:

NM_000455.5(STK11):c.487_490dup (p.Leu164fs)

Gene: STK11 (serine/threonine kinase 11; plus strand). Cytogenetic location: 19p13.3.
Variant type: Duplication.
Coding change: c.487_490dup on transcript NM_000455.5 (MANE Select); coding-DNA positions 487 to 490, 4 bases duplicated (GGCC; older notation c.487_490dupGGCC).
Protein change: p.Leu164fs; shifts the reading frame from leucine 164.
Molecular consequence: frameshift variant.
Genome position (GRCh38, 1-based): chr19:1,220,395-1,220,398, GGCC duplicated; duplicating any 4 consecutive bases within chr19:1,220,394-1,220,398 gives the same sequence; the c. name uses the placement nearest the transcript's 3' end. VCF-style (leftmost placement, unchanged base first): chr19-1220393-A-ACGGC. GRCh37 (hg19) VCF-style: chr19-1220392-A-ACGGC.
Other names: short protein forms L164fs.
Identifiers: ClinVar variation 1456978 (VCV001456978.6), dbSNP rs2145424194, ClinGen allele CA2573155760.
Genomic context (GRCh38, chr19:1,220,393, plus strand): 5'-GGGAGGCCTCGGCCCCAGGACGGGTGTGTGCTGCCCGCAGGTACTTCTGTCAGCTGATTG[A>ACGGC]CGGCCTGGAGTACCTGCATAGCCAGGGCATTGTGCACAAGGACATCAAGCCGGGGAACCT-3'

ClinVar aggregate classification (germline): Pathogenic (1 of 4 stars; one submission).

Conditions:
Peutz-Jeghers syndrome (PJS). Also called: POLYPOSIS, HAMARTOMATOUS INTESTINAL; POLYPS-AND-SPOTS SYNDROME; Peutz-Jeghers polyposis; Periorificial lentiginosis syndrome. Identifiers: Orphanet 2869, MedGen C0031269, MeSH D010580, MONDO:0008280, OMIM 175200.

Submission:

Labcorp Genetics (formerly Invitae), Labcorp
Classification: Pathogenic for Peutz-Jeghers syndrome. Last evaluated: 2021-09-26. Review status: criteria provided, single submitter. Criteria: Invitae Variant Classification Sherloc (09022015). Collection method: clinical testing. Allele origin: germline.
Comment: This sequence change creates a premature translational stop signal (p.Leu164Argfs*7) in the STK11 gene. It is expected to result in an absent or disrupted protein product. Loss-of-function variants in STK11 are known to be pathogenic (PMID: 15188174, 16287113). This variant is not present in population databases (ExAC no frequency). This premature translational stop signal has been observed in individual(s) with Peutz-Jeghers syndrome (PMID: 30334930). For these reasons, this variant has been classified as Pathogenic.

Literature cited by the submitters: PubMed 15188174; PubMed 16287113; PubMed 30334930.